The following is an entry in ClinVar:

NM_144997.7(FLCN):c.379dup (p.Arg127fs)

Gene: FLCN (folliculin; minus strand). Cytogenetic location: 17p11.2.
Variant type: Duplication.
Coding change: c.379dup on transcript NM_144997.7 (MANE Select); coding-DNA position 379, one base duplicated (C; older notation c.379dupC).
Protein change: p.Arg127fs; shifts the reading frame from arginine 127.
Molecular consequence: frameshift variant.
Genome position (GRCh38, 1-based): chr17:17,226,193, G duplicated on the plus strand (C on the coding strand, the reverse complement: FLCN is on the minus strand); the first of 2 consecutive G bases (chr17:17,226,193-17,226,194); duplicating either gives the same sequence. VCF-style (leftmost placement, unchanged base first): chr17-17226192-C-CG. GRCh37 (hg19) VCF-style: chr17-17129506-C-CG.
Other names: c.379dup, p.Arg127fs (NM_001353229.2, NM_001353230.2, NM_001353231.2 and 1 more transcripts); short protein forms R127fs.
Identifiers: ClinVar variation 1321452 (VCV001321452.1), dbSNP rs2145010446, ClinGen allele CA2573054333.

ClinVar aggregate classification (germline): Likely pathogenic (1 of 4 stars; one submission).

Conditions:
Birt-Hogg-Dube syndrome. Also called: Birt Hogg Dubé syndrome. Identifiers: Orphanet 122, MedGen C0346010, MONDO:0800444.

Submission:

Women's Health and Genetics/Laboratory Corporation of America, LabCorp
Classification: Likely pathogenic for Birt-Hogg-Dube syndrome. Last evaluated: 2021-10-04. Review status: criteria provided, single submitter. Criteria: LabCorp Variant Classification Summary - May 2015. Collection method: clinical testing. Allele origin: germline.
Comment: Variant summary: FLCN c.379dupC (p.Arg127ProfsX6) results in a premature termination codon, predicted to cause a truncation of the encoded protein or absence of the protein due to nonsense mediated decay, which are commonly known mechanisms for disease. Truncations downstream of this position have been classified as pathogenic by our laboratory. The variant was absent in 251204 control chromosomes. To our knowledge, no occurrence of c.379dupC in individuals affected with Birt-Hogg-Dube Syndrome and no experimental evidence demonstrating its impact on protein function have been reported. No clinical diagnostic laboratories have submitted clinical-significance assessments for this variant to ClinVar after 2014. Based on the evidence outlined above, the variant was classified as likely pathogenic.